The following is an entry in ClinVar:

ClinVar aggregate classification (germline): Uncertain significance (1 of 4 stars; one submission).

Conditions:
Dilated cardiomyopathy 1HH (CMD1HH). Identifiers: Orphanet 154, MedGen C3151293, MONDO:0013479, OMIM 613881.
Myofibrillar myopathy 6. Identifiers: Orphanet 199340, MedGen C2751831, MONDO:0013061, OMIM 612954.

Submission:

Labcorp Genetics (formerly Invitae), Labcorp
Classification: Uncertain significance for Dilated cardiomyopathy 1HH; Myofibrillar myopathy 6. Last evaluated: 2022-06-20. Review status: criteria provided, single submitter. Criteria: Invitae Variant Classification Sherloc (09022015). Collection method: clinical testing. Allele origin: germline.
Comment: Algorithms developed to predict the effect of missense changes on protein structure and function are either unavailable or do not agree on the potential impact of this missense change (SIFT: "Deleterious"; PolyPhen-2: "Probably Damaging"; Align-GVGD: "Class C0"). In summary, the available evidence is currently insufficient to determine the role of this variant in disease. Therefore, it has been classified as a Variant of Uncertain Significance. This variant has not been reported in the literature in individuals affected with BAG3-related conditions. This variant is not present in population databases (gnomAD no frequency). This sequence change replaces tryptophan, which is neutral and slightly polar, with glycine, which is neutral and non-polar, at codon 26 of the BAG3 protein (p.Trp26Gly).

NM_004281.4(BAG3):c.76T>G (p.Trp26Gly)

Gene: BAG3 (BAG cochaperone 3; plus strand). Cytogenetic location: 10q26.11.
Variant type: single nucleotide variant.
Coding change: c.76T>G on transcript NM_004281.4 (MANE Select); coding-DNA position 76, T replaced by G.
Protein change: p.Trp26Gly; replaces tryptophan 26 with glycine.
Molecular consequence: missense variant.
Genome position (GRCh38, 1-based): chr10:119,651,751, T>G. VCF-style: chr10-119651751-T-G. GRCh37 (hg19) VCF-style: chr10-121411263-T-G.
Other names: short protein forms W26G.
Identifiers: ClinVar variation 1350759 (VCV001350759.8), dbSNP rs1846843335, ClinGen allele CA378294120.
Genomic context (GRCh38, chr10:119,651,751, plus strand): 5'-CACTCGCCCATGATGCAGGTGGCGTCCGGCAACGGTGACCGCGACCCTTTGCCCCCCGGA[T>G]GGGAGATCAAGATCGACCCGCAGACCGGCTGGCCCTTCTTCGTGGACCACAACAGCCGCA-3'
Protein context (NP_004272.2, residues 16-36): NGDRDPLPPG[Trp26Gly]EIKIDPQTGW